The following is an entry in ClinVar:

NM_000540.3(RYR1):c.7861C>T (p.His2621Tyr)

Gene: RYR1 (ryanodine receptor 1; plus strand). Cytogenetic location: 19q13.2.
Variant type: single nucleotide variant.
Coding change: c.7861C>T on transcript NM_000540.3 (MANE Select); coding-DNA position 7861, C replaced by T.
Protein change: p.His2621Tyr; replaces histidine 2621 with tyrosine.
Molecular consequence: missense variant.
Genome position (GRCh38, 1-based): chr19:38,502,905, C>T. VCF-style: chr19-38502905-C-T. GRCh37 (hg19) VCF-style: chr19-38993545-C-T.
Other names: c.7861C>T, p.His2621Tyr (NM_001042723.2); c.7861C>T (NM_000540.2); short protein forms H2621Y.
Identifiers: ClinVar variation 1428127 (VCV001428127.9), dbSNP rs761129675, ClinGen allele CA070877.

ClinVar aggregate classification (germline): Uncertain significance. Review status: criteria provided, multiple submitters, no conflicts (2 of 4 stars). 3 submissions from 3 submitters: Uncertain significance (3). Last evaluated 2025-11-03.

Conditions:
Malignant hyperthermia, susceptibility to, 1 (MHS1). Also called: Anesthesia related hyperthermia; Malignant hyperpyrexia; Fulminating hyperpyrexia; Pharmacogenic myopathy; Malignant hyperthermia suceptibility 1; RYR1-Related Malignant Hyperthermia Susceptibility. Identifiers: Orphanet 423, MedGen C2930980, MONDO:0007783, OMIM 145600.
RYR1-related disorder. Also called: RYR1-related disorders; RYR1-related condition. Identifiers: MedGen CN239331.

Allele frequency attached by ClinVar (database versions not stated): ExAC 0.00001; gnomAD exomes 0.00001; TOPMed 0.00001.
gnomAD v4.1: 12 of 1,611,870 alleles (0.00074%); highest among the groups gnomAD compares: South Asian, 0.0033%; no homozygotes.

Submissions (3):

Labcorp Genetics (formerly Invitae), Labcorp
Classification: Uncertain significance for RYR1-related disorder. Last evaluated: 2025-11-03. Review status: criteria provided, single submitter. Criteria: Invitae Variant Classification Sherloc (09022015). Collection method: clinical testing. Allele origin: germline.
Comment: This sequence change replaces histidine, which is basic and polar, with tyrosine, which is neutral and polar, at codon 2621 of the RYR1 protein (p.His2621Tyr). This variant is present in population databases (rs761129675, gnomAD 0.003%). This variant has not been reported in the literature in individuals affected with RYR1-related conditions. ClinVar contains an entry for this variant (Variation ID: 1428127). Invitae Evidence Modeling of protein sequence and biophysical properties (such as structural, functional, and spatial information, amino acid conservation, physicochemical variation, residue mobility, and thermodynamic stability) indicates that this missense variant is not expected to disrupt RYR1 protein function with a negative predictive value of 80%. In summary, the available evidence is currently insufficient to determine the role of this variant in disease. Therefore, it has been classified as a Variant of Uncertain Significance.

All of Us Research Program, National Institutes of Health
Classification: Uncertain significance for Malignant hyperthermia, susceptibility to, 1. Last evaluated: 2024-04-16. Review status: criteria provided, single submitter. Criteria: ACMG Guidelines, 2015. Collection method: clinical testing. Allele origin: germline. Inheritance: Autosomal dominant inheritance. Observed: 2 variant alleles, 2 heterozygotes.
Comment: This missense variant replaces histidine with tyrosine at codon 2621 of the RYR1 protein. Computational prediction suggests that this variant may have deleterious impact on protein structure and function (internally defined REVEL score threshold >= 0.7, PMID: 27666373). To our knowledge, functional studies have not been reported for this variant. This variant has not been reported in individuals affected with RYR1-related disorders in the literature. This variant has been identified in 3/281222 chromosomes in the general population by the Genome Aggregation Database (gnomAD). The available evidence is insufficient to determine the role of this variant in disease conclusively. Therefore, this variant is classified as a Variant of Uncertain Significance.

This study involves interpretation of variants in research participants for the purpose of population health screening. Participant phenotype was not available at the time of variant classification. Additional details can be found in publication PMID: 35346344, PMCID: PMC8962531

GeneDx
Classification: Uncertain significance. Last evaluated: 2023-07-23. Review status: criteria provided, single submitter. Criteria: GeneDx Variant Classification Process June 2021. Collection method: clinical testing. Allele origin: germline. Affected: yes.
Comment: Not observed at significant frequency in large population cohorts (gnomAD); In silico analysis supports that this missense variant has a deleterious effect on protein structure/function; Has not been previously published as pathogenic or benign to our knowledge